The following is an entry in ClinVar:

ClinVar aggregate classification (germline): Uncertain significance. Review status: criteria provided, multiple submitters, no conflicts (2 of 4 stars). 2 submissions from 2 submitters: Uncertain significance (2). Last evaluated 2025-10-15.

Conditions:
LEPR-related disorder. Also called: LEPR-related disorders; LEPR-related condition.

Allele frequency attached by ClinVar (database versions not stated): gnomAD exomes below 0.00001.
gnomAD v4.1: 1 of 1,614,138 alleles (0.000062%); highest among the groups gnomAD compares: Non-Finnish European, 0.000085%; no homozygotes.

Submissions (2):

PreventionGenetics, part of Exact Sciences
Classification: Uncertain significance for LEPR-related condition. Last evaluated: 2025-10-15. Review status: criteria provided, single submitter. Criteria: ACMG Guidelines, 2015. Collection method: clinical testing. Allele origin: germline.
Comment: The LEPR c.2873A>G variant is predicted to result in the amino acid substitution p.Gln958Arg. This variant has not been reported in a large population database (gnomAD), indicating this variant is rare. In vitro functional studies showed this variant did not reduce protein function and could cause increased function (Supplemental Data Set 3, Shah et al. 2023. PubMed ID: 36864747). At this time, the clinical significance of this variant is uncertain due to the absence of conclusive functional and genetic evidence.

Labcorp Genetics (formerly Invitae), Labcorp
Classification: Uncertain significance. Last evaluated: 2021-05-26. Review status: criteria provided, single submitter. Criteria: Invitae Variant Classification Sherloc (09022015). Collection method: clinical testing. Allele origin: germline.
Comment: This variant is not present in population databases (ExAC no frequency). This sequence change replaces glutamine with arginine at codon 958 of the LEPR protein (p.Gln958Arg). The glutamine residue is moderately conserved and there is a small physicochemical difference between glutamine and arginine. In summary, the available evidence is currently insufficient to determine the role of this variant in disease. Therefore, it has been classified as a Variant of Uncertain Significance. Algorithms developed to predict the effect of missense changes on protein structure and function output the following: SIFT: "Tolerated"; PolyPhen-2: "Benign"; Align-GVGD: "Class C0". The arginine amino acid residue is found in multiple mammalian species, suggesting that this missense change does not adversely affect protein function. These predictions have not been confirmed by published functional studies and their clinical significance is uncertain. This variant has not been reported in the literature in individuals with LEPR-related conditions.

NM_002303.6(LEPR):c.2873A>G (p.Gln958Arg)

Gene: LEPR (leptin receptor; plus strand). Cytogenetic location: 1p31.3.
Variant type: single nucleotide variant.
Coding change: c.2873A>G on transcript NM_002303.6 (MANE Select); coding-DNA position 2873, A replaced by G.
Protein change: p.Gln958Arg; replaces glutamine 958 with arginine.
Molecular consequence: missense variant.
Genome position (GRCh38, 1-based): chr1:65,636,390, A>G. VCF-style: chr1-65636390-A-G. GRCh37 (hg19) VCF-style: chr1-66102073-A-G.
Other names: c.2873A>G (NM_002303.5); short protein forms Q958R.
Identifiers: ClinVar variation 1425992 (VCV001425992.9), dbSNP rs2101047039, ClinGen allele CA340688363.
Genomic context (GRCh38, chr1:65,636,390, plus strand): 5'-CTGTGGTCTCTCTACTTTCAACAACAGATCTTGAAAAGGGTTCTGTTTGTATTAGTGACC[A>G]GTTCAACAGTGTTAACTTCTCTGAGGCTGAGGGTACTGAGGTAACCTATGAGGACGAAAG-3'
Protein context (NP_002294.2, residues 948-968): LEKGSVCISD[Gln958Arg]FNSVNFSEAE